The following is an entry in ClinVar:

ClinVar aggregate classification (germline): Uncertain significance (1 of 4 stars; one submission).

gnomAD v4.1: 1 of 1,613,996 alleles (0.000062%); highest among the groups gnomAD compares: Admixed American, 0.0017%; no homozygotes.

Submission:

Labcorp Genetics (formerly Invitae), Labcorp
Classification: Uncertain significance. Last evaluated: 2024-06-19. Review status: criteria provided, single submitter. Criteria: Invitae Variant Classification Sherloc (09022015). Collection method: clinical testing. Allele origin: germline.
Comment: This sequence change replaces arginine, which is basic and polar, with leucine, which is neutral and non-polar, at codon 1417 of the SETD5 protein (p.Arg1417Leu). This variant is present in population databases (rs368126889, gnomAD 0.003%). This variant has not been reported in the literature in individuals affected with SETD5-related conditions. Advanced modeling of protein sequence and biophysical properties (such as structural, functional, and spatial information, amino acid conservation, physicochemical variation, residue mobility, and thermodynamic stability) has been performed at Invitae for this missense variant, however the output from this modeling did not meet the statistical confidence thresholds required to predict the impact of this variant on SETD5 protein function. In summary, the available evidence is currently insufficient to determine the role of this variant in disease. Therefore, it has been classified as a Variant of Uncertain Significance.

NM_001080517.3(SETD5):c.4250G>T (p.Arg1417Leu)

Gene: SETD5 (SET domain containing 5; plus strand). Cytogenetic location: 3p25.3.
Variant type: single nucleotide variant.
Coding change: c.4250G>T on transcript NM_001080517.3 (MANE Select); coding-DNA position 4250, G replaced by T.
Protein change: p.Arg1417Leu; replaces arginine 1417 with leucine.
Molecular consequence: missense variant.
Genome position (GRCh38, 1-based): chr3:9,476,012, G>T. VCF-style: chr3-9476012-G-T. GRCh37 (hg19) VCF-style: chr3-9517696-G-T.
Other names: c.3956G>T, p.Arg1319Leu (NM_001292043.2, NM_001349451.2); short protein forms R1319L, R1417L.
Identifiers: ClinVar variation 3688187 (VCV003688187.2).
Genomic context (GRCh38, chr3:9,476,012, plus strand): 5'-CAGCTGTCTACCAGGCCTCCAGGGTATCTGCGGTTTCCAATTCACAGCACTACCCACACC[G>T]TGGGAGTGGGGGTGTGCACCAGTACCGACTCCAGCCACTGCAAGGGTCAGGAGTCAAGAC-3'
Protein context (NP_001073986.1, residues 1407-1427): AVSNSQHYPH[Arg1417Leu]GSGGVHQYRL